The following is an entry in ClinVar:

ClinVar aggregate classification (germline): Uncertain significance (1 of 4 stars; one submission).

Submission:

Labcorp Genetics (formerly Invitae), Labcorp
Classification: Uncertain significance. Last evaluated: 2019-10-09. Review status: criteria provided, single submitter. Criteria: Invitae Variant Classification Sherloc (09022015). Collection method: clinical testing. Allele origin: germline.
Comment: In summary, the available evidence is currently insufficient to determine the role of this variant in disease. Therefore, it has been classified as a Variant of Uncertain Significance. Algorithms developed to predict the effect of missense changes on protein structure and function (SIFT, PolyPhen-2, Align-GVGD) all suggest that this variant is likely to be tolerated, but these predictions have not been confirmed by published functional studies and their clinical significance is uncertain. This variant has not been reported in the literature in individuals with POLE-related conditions. This variant is not present in population databases (ExAC no frequency). This sequence change replaces isoleucine with methionine at codon 1487 of the POLE protein (p.Ile1487Met). The isoleucine residue is moderately conserved and there is a small physicochemical difference between isoleucine and methionine.

NM_006231.4(POLE):c.4461C>G (p.Ile1487Met)

Gene: POLE (DNA polymerase epsilon, catalytic subunit; minus strand). Cytogenetic location: 12q24.33.
Variant type: single nucleotide variant.
Coding change: c.4461C>G on transcript NM_006231.4 (MANE Select); coding-DNA position 4461, C replaced by G.
Protein change: p.Ile1487Met; replaces isoleucine 1487 with methionine.
Molecular consequence: missense variant.
Genome position (GRCh38, 1-based): chr12:132,643,314, G>C on the plus strand (C>G on the coding strand, the complement: POLE is on the minus strand). VCF-style: chr12-132643314-G-C. GRCh37 (hg19) VCF-style: chr12-133219900-G-C.
Other names: short protein forms I1487M.
Identifiers: ClinVar variation 963687 (VCV000963687.9), dbSNP rs536917758, ClinGen allele CA387380751.